The following is an entry in ClinVar:

NM_001374736.1(DST):c.14972A>C (p.Gln4991Pro)

Gene: DST (dystonin; minus strand). Cytogenetic location: 6p12.1.
Variant type: single nucleotide variant.
Coding change: c.14972A>C on transcript NM_001374736.1 (MANE Select); coding-DNA position 14972, A replaced by C.
Protein change: p.Gln4991Pro; replaces glutamine 4991 with proline.
Molecular consequence: missense variant.
Genome position (GRCh38, 1-based): chr6:56,555,509, T>G on the plus strand (A>C on the coding strand, the complement: DST is on the minus strand). VCF-style: chr6-56555509-T-G. GRCh37 (hg19) VCF-style: chr6-56420307-T-G.
Other names: c.8615A>C, p.Gln2872Pro (NM_001144769.5); c.8201A>C, p.Gln2734Pro (NM_001144770.2); c.14972A>C, p.Gln4991Pro (NM_001374722.1); c.14339A>C, p.Gln4780Pro (NM_001374729.1); c.8081A>C, p.Gln2694Pro (NM_001374730.1, NM_183380.4); c.14999A>C, p.Gln5000Pro (NM_001374734.1); c.7103A>C, p.Gln2368Pro (NM_015548.5); short protein forms Q2368P, Q2734P, Q2872P, Q5000P, Q2694P, Q4780P, Q4991P.
Identifiers: ClinVar variation 964801 (VCV000964801.8), dbSNP rs2097399604, ClinGen allele CA364518798.
Genomic context (GRCh38, chr6:56,555,509, plus strand): 5'-CAGAGTGCCTGGGCCACTTTTATCTGCTTCTTTTCCTGCTGTATCTCCTGCTTCATTTTT[T>G]GGGCTGTTTCCAACTGTTGGTTCATAGCATCAGGGTGCGTGCTCACAGCCAGACTGCTGC-3'
Protein context (NP_001361665.1, residues 4981-5001): DAMNQQLETA[Gln4991Pro]KMKQEIQQEK

ClinVar aggregate classification (germline): Uncertain significance (1 of 4 stars; one submission).

Conditions:
Epidermolysis bullosa simplex 3, localized or generalized intermediate, with BP230 deficiency (EBS3). Also called: Epidermolysis bullosa simplex, autosomal recessive 2; Epidermolysis bullosa simplex due to BP230 deficiency. Identifiers: Orphanet 412181, MedGen C3809470, MONDO:0014180, OMIM 615425.
Hereditary sensory and autonomic neuropathy type 6. Also called: Neuropathy, hereditary sensory and autonomic, type VI; HSAN VI. Identifiers: Orphanet 314381, MedGen C3539003, MONDO:0013839, OMIM 614653.

Submission:

Labcorp Genetics (formerly Invitae), Labcorp
Classification: Uncertain significance for Epidermolysis bullosa simplex 3, localized or generalized intermediate, with BP230 deficiency; Hereditary sensory and autonomic neuropathy type 6. Last evaluated: 2019-02-21. Review status: criteria provided, single submitter. Criteria: Invitae Variant Classification Sherloc (09022015). Collection method: clinical testing. Allele origin: germline.
Comment: This variant is not present in population databases (ExAC no frequency). In summary, the available evidence is currently insufficient to determine the role of this variant in disease. Therefore, it has been classified as a Variant of Uncertain Significance. Algorithms developed to predict the effect of missense changes on protein structure and function are either unavailable or do not agree on the potential impact of this missense change (SIFT: "Tolerated"; PolyPhen-2: "Not Available"; Align-GVGD: "Class C0"). This variant has not been reported in the literature in individuals with DST-related conditions. This sequence change replaces glutamine with proline at codon 2368 of the DST protein (p.Gln2368Pro). The glutamine residue is weakly conserved and there is a moderate physicochemical difference between glutamine and proline. The DST gene has multiple clinically relevant transcripts. The p.Gln2368Pro variant occurs in alternate transcript NM_015548.4, which corresponds to c.*60008A>C in NM_001723.5, the primary transcript listed in the Methods.